The following is an entry in ClinVar:

ClinVar aggregate classification (germline): Uncertain significance. Review status: criteria provided, multiple submitters, no conflicts (2 of 4 stars). 2 submissions from 2 submitters: Uncertain significance (2). Last evaluated 2026-03-02.

Conditions:
Hereditary pheochromocytoma and paraganglioma. Also called: Hereditary pheochromocytoma-paraganglioma; Hereditary Paraganglioma-Pheochromocytoma Syndromes; Hereditary paragangliomas and pheochromocytomas. Identifiers: Orphanet 29072, MedGen C4274332, MONDO:0017366.
Hereditary cancer-predisposing syndrome. Also called: Hereditary neoplastic syndrome; Hereditary Cancer Syndrome; Tumor predisposition; Neoplastic Syndromes, Hereditary. Identifiers: Orphanet 140162, MedGen C0027672, MeSH D009386, MONDO:0015356.

Allele frequency attached by ClinVar (database versions not stated): gnomAD exomes below 0.00001; ExAC 0.00001; gnomAD 0.00001; TOPMed 0.00001.

Submissions (2):

Ambry Genetics
Classification: Uncertain significance for Hereditary cancer-predisposing syndrome. Last evaluated: 2026-03-02. Review status: criteria provided, single submitter. Criteria: Ambry Variant Classification Scheme 2023. Collection method: clinical testing. Allele origin: germline.

Labcorp Genetics (formerly Invitae), Labcorp
Classification: Uncertain significance for Hereditary pheochromocytoma and paraganglioma. Last evaluated: 2022-02-10. Review status: criteria provided, single submitter. Criteria: Invitae Variant Classification Sherloc (09022015). Collection method: clinical testing. Allele origin: germline.
Comment: This sequence change replaces glycine, which is neutral and non-polar, with glutamic acid, which is acidic and polar, at codon 182 of the TMEM127 protein (p.Gly182Glu). This variant is present in population databases (rs761885719, gnomAD 0.003%). This variant has not been reported in the literature in individuals affected with TMEM127-related conditions. ClinVar contains an entry for this variant (Variation ID: 1002831). In summary, the available evidence is currently insufficient to determine the role of this variant in disease. Therefore, it has been classified as a Variant of Uncertain Significance. Algorithms developed to predict the effect of missense changes on protein structure and function (SIFT, PolyPhen-2, Align-GVGD) all suggest that this variant is likely to be disruptive.

NM_017849.4(TMEM127):c.545G>A (p.Gly182Glu)

Gene: TMEM127 (transmembrane protein 127; minus strand). Cytogenetic location: 2q11.2.
Variant type: single nucleotide variant.
Coding change: c.545G>A on transcript NM_017849.4 (MANE Select); coding-DNA position 545, G replaced by A.
Protein change: p.Gly182Glu; replaces glycine 182 with glutamic acid.
Molecular consequence: missense variant.
Genome position (GRCh38, 1-based): chr2:96,253,980, C>T on the plus strand (G>A on the coding strand, the complement: TMEM127 is on the minus strand). VCF-style: chr2-96253980-C-T. GRCh37 (hg19) VCF-style: chr2-96919718-C-T.
Other names: c.545G>A, p.Gly182Glu (NM_001193304.3); c.545G>A (NM_017849.3); short protein forms G182E.
Identifiers: ClinVar variation 1002831 (VCV001002831.9), dbSNP rs761885719, ClinGen allele CA1777285.